The following is an entry in ClinVar:

NM_006648.4(WNK2):c.5336C>T (p.Pro1779Leu)

Gene: WNK2 (WNK lysine deficient protein kinase 2; plus strand). Cytogenetic location: 9q22.31.
Variant type: single nucleotide variant.
Coding change: c.5336C>T on transcript NM_006648.4 (MANE Select); coding-DNA position 5336, C replaced by T.
Protein change: p.Pro1779Leu; replaces proline 1779 with leucine.
Molecular consequence: missense variant.
Genome position (GRCh38, 1-based): chr9:93,292,801, C>T. VCF-style: chr9-93292801-C-T. GRCh37 (hg19) VCF-style: chr9-96055083-C-T.
Other names: c.5447C>T, p.Pro1816Leu (NM_001282394.3); short protein forms P1779L, P1816L.
Identifiers: ClinVar variation 4605402 (VCV004605402.1).

ClinVar aggregate classification (germline): Uncertain significance (1 of 4 stars; one submission).

gnomAD v4.1: 1 of 1,542,886 alleles (0.000065%); highest among the groups gnomAD compares: Non-Finnish European, 0.000087%; no homozygotes.

Submission:

Ambry Genetics
Classification: Uncertain significance. Last evaluated: 2025-11-28. Review status: criteria provided, single submitter. Criteria: Ambry Variant Classification Scheme 2023. Collection method: clinical testing. Allele origin: germline.
Comment: The p.P1779L variant (also known as c.5336C>T), located in coding exon 22 of the WNK2 gene, results from a C to T substitution at nucleotide position 5336. The proline at codon 1779 is replaced by leucine, an amino acid with similar properties. This amino acid position is conserved. In addition, the in silico prediction for this alteration is inconclusive. Based on the available evidence, the clinical significance of this variant remains unclear.